The following is an entry in ClinVar:

NM_012293.3(PXDN):c.270A>G (p.Thr90=)

Gene: PXDN (peroxidasin; minus strand). Cytogenetic location: 2p25.3.
Variant type: single nucleotide variant.
Coding change: c.270A>G on transcript NM_012293.3 (MANE Select); coding-DNA position 270, A replaced by G.
Protein change: p.Thr90=; no amino-acid change (threonine 90 retained).
Molecular consequence: synonymous variant.
Genome position (GRCh38, 1-based): chr2:1,693,065, T>C on the plus strand (A>G on the coding strand, the complement: PXDN is on the minus strand). VCF-style: chr2-1693065-T-C. GRCh37 (hg19) VCF-style: chr2-1696837-T-C.
Other names: c.270A>G (NM_012293.1).
Identifiers: ClinVar variation 766972 (VCV000766972.12), dbSNP rs147536472, ClinGen allele CA1513728.
Genomic context (GRCh38, chr2:1,693,065, plus strand): 5'-TAAACAATGTAATGATTTCTATTTTTCTATTAGTTTCCAATAGAATATTTCCACTCACAA[T>C]GTGTTCAAGTTCCTCAGCCGCCTGAATGCCCCAGGTTGGATCTCTCTGATTCTGTTAAAG-3'
Protein context (NP_036425.1, residues 80-100): GAFRRLRNLN[Thr90=]LLLNNNQIKR

ClinVar aggregate classification (germline): Benign/Likely benign. Review status: criteria provided, multiple submitters, no conflicts (2 of 4 stars). 3 submissions from 3 submitters: Benign (2); Likely benign (1). Last evaluated 2025-09-03.

Conditions:
Anterior segment dysgenesis 7 (ASGD7). Also called: Anterior segment dysgenesis 7, with sclerocornea; SCLEROCORNEA WITH OTHER OCULAR ANOMALIES. Identifiers: Orphanet 289499, MedGen C3151617, MONDO:0010015, OMIM 269400.

Allele frequency attached by ClinVar (database versions not stated): gnomAD 0.00036 and 0.00056; TOPMed 0.00062; gnomAD exomes 0.00101; ExAC 0.00160; 1000 Genomes Project 30x 0.00328; 1000 Genomes Project 0.00339.
gnomAD v4.1: 499 of 1,543,512 alleles (0.032%); highest among the groups gnomAD compares: East Asian, 0.92%; 3 homozygotes.

Submissions (3):

Labcorp Genetics (formerly Invitae), Labcorp
Classification: Benign for Anterior segment dysgenesis 7. Last evaluated: 2025-09-03. Review status: criteria provided, single submitter. Criteria: Invitae Variant Classification Sherloc (09022015). Collection method: clinical testing. Allele origin: germline.

Blueprint Genetics
Classification: Benign. Last evaluated: 2024-11-07. Review status: criteria provided, single submitter. Criteria: ACMG Guidelines, 2015. Collection method: clinical testing. Allele origin: germline.

GeneDx
Classification: Likely benign. Last evaluated: 2021-05-05. Review status: criteria provided, single submitter. Criteria: GeneDx Variant Classification Process June 2021. Collection method: clinical testing. Allele origin: germline. Affected: yes.
Comment: See Variant Classification Assertion Criteria.